The following is an entry in ClinVar:

NM_001145715.3(KPNA7):c.965T>C (p.Ile322Thr)

Gene: KPNA7 (karyopherin subunit alpha 7; minus strand). Cytogenetic location: 7q22.1.
Variant type: single nucleotide variant.
Coding change: c.965T>C on transcript NM_001145715.3 (MANE Select); coding-DNA position 965, T replaced by C.
Protein change: p.Ile322Thr; replaces isoleucine 322 with threonine.
Molecular consequence: missense variant.
Genome position (GRCh38, 1-based): chr7:99,185,098, A>G on the plus strand (T>C on the coding strand, the complement: KPNA7 is on the minus strand). VCF-style: chr7-99185098-A-G. GRCh37 (hg19) VCF-style: chr7-98782721-A-G.
Other names: short protein forms I322T.
Identifiers: ClinVar variation 952700 (VCV000952700.7), dbSNP rs1789510013, ClinGen allele CA368419416.

ClinVar aggregate classification (germline): Uncertain significance (1 of 4 stars; one submission).

Allele frequency attached by ClinVar (database versions not stated): TOPMed 0.00001.

Submission:

Labcorp Genetics (formerly Invitae), Labcorp
Classification: Uncertain significance. Last evaluated: 2021-08-27. Review status: criteria provided, single submitter. Criteria: Invitae Variant Classification Sherloc (09022015). Collection method: clinical testing. Allele origin: germline.
Comment: This sequence change replaces isoleucine with threonine at codon 322 of the KPNA7 protein (p.Ile322Thr). The isoleucine residue is highly conserved and there is a moderate physicochemical difference between isoleucine and threonine. This variant is not present in population databases (ExAC no frequency). This variant has not been reported in the literature in individuals affected with KPNA7-related conditions. Algorithms developed to predict the effect of missense changes on protein structure and function output the following: SIFT: "Deleterious"; PolyPhen-2: "Probably Damaging"; Align-GVGD: "Class C65". The threonine amino acid residue is found in multiple mammalian species, which suggests that this missense change does not adversely affect protein function. In summary, the available evidence is currently insufficient to determine the role of this variant in disease. Therefore, it has been classified as a Variant of Uncertain Significance.